The following is an entry in ClinVar:

ClinVar aggregate classification (germline): Likely benign. Review status: criteria provided, multiple submitters, no conflicts (2 of 4 stars). 3 submissions from 3 submitters: Likely benign (3). Last evaluated 2025-12-29.

Conditions:
Muscular dystrophy-dystroglycanopathy (congenital with brain and eye anomalies), type a, 8 (MDDGA8). Also called: WALKER-WARBURG SYNDROME OR MUSCLE-EYE-BRAIN DISEASE, GTDC2-RELATED. Identifiers: Orphanet 899, MedGen C3553813, MONDO:0013904, OMIM 614830.

Allele frequency attached by ClinVar (database versions not stated): gnomAD exomes 0.00003 and 0.00012; ExAC 0.00006; TOPMed 0.00020; gnomAD 0.00023 and 0.00026.
gnomAD v4.1: 82 of 1,614,048 alleles (0.0051%); highest among the groups gnomAD compares: Admixed American, 0.097%; no homozygotes.

Submissions (3):

Labcorp Genetics (formerly Invitae), Labcorp
Classification: Likely benign for Muscular dystrophy-dystroglycanopathy (congenital with brain and eye anomalies), type a, 8. Last evaluated: 2025-12-29. Review status: criteria provided, single submitter. Criteria: Invitae Variant Classification Sherloc (09022015). Collection method: clinical testing. Allele origin: germline.

CeGaT Center for Human Genetics Tuebingen
Classification: Likely benign. Last evaluated: 2025-08-01. Review status: criteria provided, single submitter. Criteria: CeGaT Center For Human Genetics Tuebingen Variant Classification Criteria Version 2. Collection method: clinical testing. Allele origin: germline. Affected: yes. Observed: 1 variant allele.
Comment: POMGNT2: BP4, BP7

Blueprint Genetics
Classification: Likely benign. Last evaluated: 2024-10-04. Review status: criteria provided, single submitter. Criteria: ACMG Guidelines, 2015. Collection method: clinical testing. Allele origin: germline.

NM_032806.6(POMGNT2):c.1113C>T (p.Pro371=)

Gene: POMGNT2 (protein O-linked mannose N-acetylglucosaminyltransferase 2 (beta 1,4-); minus strand). Cytogenetic location: 3p22.1.
Variant type: single nucleotide variant.
Coding change: c.1113C>T on transcript NM_032806.6 (MANE Select); coding-DNA position 1113, C replaced by T.
Protein change: p.Pro371=; no amino-acid change (proline 371 retained).
Molecular consequence: synonymous variant.
Genome position (GRCh38, 1-based): chr3:43,080,319, G>A on the plus strand (C>T on the coding strand, the complement: POMGNT2 is on the minus strand). VCF-style: chr3-43080319-G-A. GRCh37 (hg19) VCF-style: chr3-43121811-G-A.
Identifiers: ClinVar variation 540497 (VCV000540497.19), dbSNP rs772146015, ClinGen allele CA2339928.